The following is an entry in ClinVar:

NM_031483.7(ITCH):c.1099_1140+38dup

Gene: ITCH (itchy E3 ubiquitin protein ligase; plus strand). Cytogenetic location: 20q11.22.
Variant type: Duplication.
Coding change: c.1099_1140+38dup on transcript NM_031483.7 (MANE Select); coding-DNA position 1099 through 38 bases into the intron after coding-DNA position 1140, 80 bases duplicated.
Molecular consequence: splice donor variant.
Genome position (GRCh38, 1-based): chr20:34,445,420-34,445,499, 80 bases duplicated. GRCh37 (hg19): chr20:33,033,225-33,033,304.
Other names: c.1222_1263+38dup (NM_001324197.2, NM_001257137.3); c.1099_1140+38dup (NM_001324198.2); c.769_810+38dup (NM_001257138.3).
Identifiers: ClinVar variation 2070828 (VCV002070828.1), dbSNP rs2515695390, ClinGen allele CA2509961771.

ClinVar aggregate classification (germline): Likely pathogenic (1 of 4 stars; one submission).

Conditions:
Syndromic multisystem autoimmune disease due to ITCH deficiency. Also called: AUTOIMMUNE DISEASE, MULTISYSTEM, WITH FACIAL DYSMORPHISM. Identifiers: Orphanet 228426, MedGen C3150649, MONDO:0013245, OMIM 613385.

Submission:

Labcorp Genetics (formerly Invitae), Labcorp
Classification: Likely pathogenic for Syndromic multisystem autoimmune disease due to ITCH deficiency. Last evaluated: 2022-08-19. Review status: criteria provided, single submitter. Criteria: Invitae Variant Classification Sherloc (09022015). Collection method: clinical testing. Allele origin: germline.
Comment: This variant results in the deletion of part of exon 11 of the ITCH gene. It is expected to disrupt RNA splicing. Variants that disrupt the donor or acceptor splice site typically lead to a loss of protein function (PMID: 16199547), and loss-of-function variants in ITCH are known to be pathogenic (PMID: 20170897). This variant is not present in population databases (gnomAD no frequency). This variant has not been reported in the literature in individuals affected with ITCH-related conditions. Algorithms developed to predict the effect of sequence changes on RNA splicing suggest that this variant may disrupt the consensus splice site. In summary, the currently available evidence indicates that the variant is pathogenic, but additional data are needed to prove that conclusively. Therefore, this variant has been classified as Likely Pathogenic.

Literature cited by the submitters: PubMed 16199547; PubMed 20170897.